The following is an entry in ClinVar:

NM_000069.3(CACNA1S):c.3383T>C (p.Ile1128Thr)

Gene: CACNA1S (calcium voltage-gated channel subunit alpha1 S; minus strand). Cytogenetic location: 1q32.1.
Variant type: single nucleotide variant.
Coding change: c.3383T>C on transcript NM_000069.3 (MANE Select); coding-DNA position 3383, T replaced by C.
Protein change: p.Ile1128Thr; replaces isoleucine 1128 with threonine.
Molecular consequence: missense variant.
Genome position (GRCh38, 1-based): chr1:201,060,689, A>G on the plus strand (T>C on the coding strand, the complement: CACNA1S is on the minus strand). VCF-style: chr1-201060689-A-G. GRCh37 (hg19) VCF-style: chr1-201029817-A-G.
Other names: short protein forms I1128T.
Identifiers: ClinVar variation 3386328 (VCV003386328.1).

ClinVar aggregate classification (germline): Uncertain significance (1 of 4 stars; one submission).

Conditions:
Malignant hyperthermia, susceptibility to, 5 (MHS5). Also called: CACNA1S-Related Malignant Hyperthermia Susceptibility. Identifiers: Orphanet 423, MedGen C1866077, MONDO:0011163, OMIM 601887.

gnomAD v4.1: 2 of 1,614,192 alleles (0.00012%); highest among the groups gnomAD compares: Non-Finnish European, 0.00017%; no homozygotes.

Submission:

All of Us Research Program, National Institutes of Health
Classification: Uncertain significance for Malignant hyperthermia, susceptibility to, 5. Last evaluated: 2024-04-16. Review status: criteria provided, single submitter. Criteria: ACMG Guidelines, 2015. Collection method: clinical testing. Allele origin: germline. Inheritance: Autosomal dominant inheritance. Observed: 1 variant allele, 1 heterozygote.
Comment: This missense variant replaces isoleucine with threonine at codon 1128 of the CACNA1S protein. Computational prediction suggests that this variant may have deleterious impact on protein structure and function (internally defined REVEL score threshold >= 0.7, PMID: 27666373). To our knowledge, functional studies have not been reported for this variant. This variant has not been reported in individuals affected with CACNA1S-related disorders in the literature. This variant has been identified in 1/251486 chromosomes in the general population by the Genome Aggregation Database (gnomAD). The available evidence is insufficient to determine the role of this variant in disease conclusively. Therefore, this variant is classified as a Variant of Uncertain Significance.

This study involves interpretation of variants in research participants for the purpose of population health screening. Participant phenotype was not available at the time of variant classification. Additional details can be found in publication PMID: 35346344, PMCID: PMC8962531